The following is an entry in ClinVar:

ClinVar aggregate classification (germline): Uncertain significance (1 of 4 stars; one submission).

Conditions:
Autosomal dominant Parkinson disease 8. Also called: Parkinson disease 8, susceptibility to; LRRK2-Related Parkinson Disease; Parkinson disease 8. Identifiers: Orphanet 411602, MedGen C1846862, MONDO:0011764, OMIM 607060.

Allele frequency attached by ClinVar (database versions not stated): gnomAD 0.00002; ESP Exome Variant Server 0.00008; gnomAD exomes 0.00001; ExAC 0.00001; TOPMed 0.00002.

Submission:

Labcorp Genetics (formerly Invitae), Labcorp
Classification: Uncertain significance for Autosomal dominant Parkinson disease 8. Last evaluated: 2022-06-12. Review status: criteria provided, single submitter. Criteria: Invitae Variant Classification Sherloc (09022015). Collection method: clinical testing. Allele origin: germline.
Comment: In summary, the available evidence is currently insufficient to determine the role of this variant in disease. Therefore, it has been classified as a Variant of Uncertain Significance. Algorithms developed to predict the effect of missense changes on protein structure and function output the following: SIFT: "Tolerated"; PolyPhen-2: "Benign"; Align-GVGD: "Class C0". The serine amino acid residue is found in multiple mammalian species, which suggests that this missense change does not adversely affect protein function. This variant has not been reported in the literature in individuals affected with LRRK2-related conditions. This variant is present in population databases (rs201629713, gnomAD 0.003%). This sequence change replaces leucine, which is neutral and non-polar, with serine, which is neutral and polar, at codon 498 of the LRRK2 protein (p.Leu498Ser).

NM_198578.4(LRRK2):c.1493T>C (p.Leu498Ser)

Gene: LRRK2 (leucine rich repeat kinase 2; plus strand). Cytogenetic location: 12q12.
Variant type: single nucleotide variant.
Coding change: c.1493T>C on transcript NM_198578.4 (MANE Select); coding-DNA position 1493, T replaced by C.
Protein change: p.Leu498Ser; replaces leucine 498 with serine.
Molecular consequence: missense variant.
Genome position (GRCh38, 1-based): chr12:40,259,554, T>C. VCF-style: chr12-40259554-T-C. GRCh37 (hg19) VCF-style: chr12-40653356-T-C.
Other names: short protein forms L498S.
Identifiers: ClinVar variation 2050267 (VCV002050267.4), dbSNP rs201629713, ClinGen allele CA6513381.